The following is an entry in ClinVar:

NM_001754.5(RUNX1):c.1152C>T (p.Pro384=)

Gene: RUNX1 (RUNX family transcription factor 1; minus strand). Cytogenetic location: 21q22.12.
Variant type: single nucleotide variant.
Coding change: c.1152C>T on transcript NM_001754.5 (MANE Select); coding-DNA position 1152, C replaced by T.
Protein change: p.Pro384=; no amino-acid change (proline 384 retained).
Molecular consequence: synonymous variant.
Genome position (GRCh38, 1-based): chr21:34,792,426, G>A on the plus strand (C>T on the coding strand, the complement: RUNX1 is on the minus strand). VCF-style: chr21-34792426-G-A. GRCh37 (hg19) VCF-style: chr21-36164723-G-A.
Other names: NM_001754.5(RUNX1):c.1152C>T; p.Pro384=; c.1071C>T, p.Pro357= (NM_001001890.3).
Identifiers: ClinVar variation 3372635 (VCV003372635.3).
Genomic context (GRCh38, chr21:34,792,426, plus strand): 5'-GTGGTAGGAGGGCGAGCTGGCTTGGAACGGGCCTCCCTGCGCTTGCGACGAGCCGGGGTA[G>A]GGCGGCGGCAGGTAGGTGTGGTAGCGCGTGGCCGAGCCCATGGCCGACATGCCGATGCCG-3'
Protein context (NP_001745.2, residues 374-394): ATRYHTYLPP[Pro384=]YPGSSQAQGG

ClinVar aggregate classification (germline): Likely benign. Review status: reviewed by expert panel (3 of 4 stars). 3 submissions from 3 submitters: Likely benign (1). 2 of the submissions do not count toward it. Last evaluated 2025-03-26.

Conditions:
Inborn genetic diseases. Identifiers: MedGen C0950123, MeSH D030342.
Hereditary thrombocytopenia and hematologic cancer predisposition syndrome. Identifiers: Orphanet 71290, MedGen CN281654, MONDO:0011071.

gnomAD v4.1: 2 of 1,571,620 alleles (0.00013%); highest among the groups gnomAD compares: East Asian, 0.0023%; no homozygotes.

Submissions (3):

ClinGen Myeloid Malignancy Variant Curation Expert Panel
Classification: Likely benign for Hereditary thrombocytopenia and hematologic cancer predisposition syndrome. Last evaluated: 2025-03-26. Review status: reviewed by expert panel. Criteria: ClinGen MyeloMalig ACMG Specifications v2. Collection method: curation. Allele origin: germline. Inheritance: Autosomal dominant inheritance.
Comment: NM_001754.5(RUNX1):c.1152C>T (p.Pro384=) is a synonymous variant which has a SpliceAI score ≤ 0.20 (0.00) and evolutionary conservation algorithms predict the site as not being conserved (PhyloP score ≤ 2.0 [1.06]) (BP4, BP7). In summary, this variant meets criteria to be classified as likely benign. ACMG/AMP criteria applied, as specified by the Myeloid Malignancy Variant Curation Expert Panel for RUNX1: BP4, BP7.

Ambry Genetics
Classification: Likely benign for Inborn genetic diseases. Last evaluated: 2024-12-15. Review status: criteria provided, single submitter. Criteria: Ambry Variant Classification Scheme 2023. Collection method: clinical testing. Allele origin: germline. Not counted in ClinVar's aggregate classification.

GeneDx
Classification: Uncertain significance. Last evaluated: 2024-04-15. Review status: criteria provided, single submitter. Criteria: GeneDx Variant Classification Process June 2021. Collection method: clinical testing. Allele origin: germline. Affected: yes. Not counted in ClinVar's aggregate classification.
Comment: Not observed at significant frequency in large population cohorts (gnomAD); In silico analysis indicates that this variant does not alter splicing; Has not been previously published as pathogenic or benign to our knowledge